The following is an entry in ClinVar:

ClinVar aggregate classification (germline): Uncertain significance (1 of 4 stars; one submission).

Conditions:
Inborn genetic diseases. Identifiers: MedGen C0950123, MeSH D030342.

Submission:

Ambry Genetics
Classification: Uncertain significance for Inborn genetic diseases. Last evaluated: 2025-02-16. Review status: criteria provided, single submitter. Criteria: Ambry Variant Classification Scheme 2023. Collection method: clinical testing. Allele origin: germline.
Comment: The p.L1358F variant (also known as c.4072C>T), located in coding exon 14 of the FANCM gene, results from a C to T substitution at nucleotide position 4072. The leucine at codon 1358 is replaced by phenylalanine, an amino acid with highly similar properties. This amino acid position is conserved. In addition, this alteration is predicted to be tolerated by in silico analysis. Based on the available evidence, the clinical significance of this variant remains unclear.

NM_020937.4(FANCM):c.4072C>T (p.Leu1358Phe)

Gene: FANCM (FA complementation group M; plus strand). Cytogenetic location: 14q21.2.
Variant type: single nucleotide variant.
Coding change: c.4072C>T on transcript NM_020937.4 (MANE Select); coding-DNA position 4072, C replaced by T.
Protein change: p.Leu1358Phe; replaces leucine 1358 with phenylalanine.
Molecular consequence: missense variant.
Genome position (GRCh38, 1-based): chr14:45,176,826, C>T. VCF-style: chr14-45176826-C-T. GRCh37 (hg19) VCF-style: chr14-45646029-C-T.
Other names: c.3994C>T, p.Leu1332Phe (NM_001308133.2); short protein forms L1332F, L1358F.
Identifiers: ClinVar variation 3848737 (VCV003848737.1).